The following is an entry in ClinVar:

NM_000091.5(COL4A3):c.725G>A (p.Gly242Glu)

Genes: COL4A3 (collagen type IV alpha 3 chain; plus strand), MFF-DT (MFF divergent transcript; minus strand). Cytogenetic location: 2q36.3.
Variant type: single nucleotide variant.
Coding change: c.725G>A on transcript NM_000091.5 (MANE Select); coding-DNA position 725, G replaced by A.
Protein change: p.Gly242Glu; replaces glycine 242 with glutamic acid.
Molecular consequence: missense variant.
Genome position (GRCh38, 1-based): chr2:227,253,598, G>A. VCF-style: chr2-227253598-G-A. GRCh37 (hg19) VCF-style: chr2-228118314-G-A.
Other names: p.(Gly242Glu); short protein forms G242E.
Identifiers: ClinVar variation 635538 (VCV000635538.12), dbSNP rs1574699806, ClinGen allele CA350865022.
Genomic context (GRCh38, chr2:227,253,598, plus strand): 5'-CTCCTGAGTGTTTTTGTCTTTAGGGTGTGAAAGGGTTAACAGGACCCCCGGGACCACCAG[G>A]AACAGTTATTGTGACCCTAACTGGCCCAGATAACAGAACGGTAACTCTGCGATTTTATGA-3'
Protein context (NP_000082.2, residues 232-252): KGLTGPPGPP[Gly242Glu]TVIVTLTGPD

ClinVar aggregate classification (germline): Conflicting classifications of pathogenicity. Review status: criteria provided, conflicting classifications (1 of 4 stars). 12 submissions from 11 submitters: Pathogenic (2); Likely pathogenic (8); Uncertain significance (1). 1 of the submissions does not count toward it. Last evaluated 2026-03-19.

Conditions:
Autosomal dominant Alport syndrome (ATS3A). Also called: Alport syndrome dominant type; Renal failure and sensorineural hearing loss; ALPORT SYNDROME 3A, AUTOSOMAL DOMINANT. Identifiers: Orphanet 63, Orphanet 88918, MedGen C5882663, MONDO:0007086, OMIM 104200.
Hematuria, benign familial, 2 (BFH2). Identifiers: MedGen C5830421, MONDO:0958186, OMIM 620320.
Alport syndrome 3b, autosomal recessive. Identifiers: MedGen C5882699, MONDO:0957811, OMIM 620536.
Alport syndrome. Also called: Hemorrhagic familial nephritis; Hemorrhagic hereditary nephritis; Congenital hereditary hematuria. Identifiers: Orphanet 63, MedGen C1567741, MONDO:0018965.
Autosomal recessive Alport syndrome (ATS2). Also called: COL4A3-Related Nephropathy; COL4A4 Alport Syndrome and Thin Basement Membrane Nephropathy; ALPORT SYNDROME 2, AUTOSOMAL RECESSIVE; Alport syndrome type 2. Identifiers: Orphanet 63, Orphanet 88919, MedGen C4746745, MONDO:0008762, OMIM 203780.

Allele frequency attached by ClinVar (database versions not stated): TOPMed below 0.00001.
gnomAD v4.1: 1 of 1,614,090 alleles (0.000062%); no homozygotes.

Submissions (12):

Centre de Génétique Humaine, Institut de Pathologie Et de Génétique
Classification: Likely pathogenic for Alport syndrome 3b, autosomal recessive. Last evaluated: 2026-03-19. Review status: criteria provided, single submitter. Criteria: ACMG Guidelines, 2015. Collection method: clinical testing. Allele origin: germline. Inheritance: Autosomal recessive inheritance. Affected: yes. Observed: 2 variant alleles, 2 homozygotes. Clinical features observed: Microscopic hematuria (HP:0002907), Proteinuria (HP:0000093), Sensorineural hearing loss disorder (HP:0000407). Segregation with disease not observed.
Comment: This missense variant involves a highly conserved glycine located in a ‘Gly-X-Y’ motif in a non-collagenous/ collagenous boundary region (PM1,PP2). This variant is rare: allelic frequency of 0.00006% in gnomAD v4.1.0 database (PM2); In silico analysis supports that this missense variant has a deleterious effect (PP3). Detected as heterozygous in patientw with FSGS and classed as LP PMID: 30348286 and PMID: 33654185.Detected as heterozygous in patient with hematuria, proteiuria and TTBM PMID: 33838161; Detected as heterozygous associated with a second variant in patient with Alport S PMID: 33532864. PP5 strong

Centre de Génétique Humaine, Institut de Pathologie Et de Génétique
Classification: Likely pathogenic for Autosomal dominant Alport syndrome; Hematuria, benign familial, 2. Last evaluated: 2026-03-19. Review status: criteria provided, single submitter. Criteria: ACMG Guidelines, 2015. Collection method: clinical testing. Allele origin: germline, paternal. Inheritance: Autosomal dominant inheritance. Affected: yes. Observed: 5 variant alleles, 5 heterozygotes. Clinical features observed: Focal segmental glomerulosclerosis (HP:0000097), Proteinuria (HP:0000093), Microscopic hematuria (HP:0002907), Stage 5 chronic kidney disease (HP:0003774). Segregation with disease observed.
Comment: the same text as in the submission from Centre de Génétique Humaine, Institut de Pathologie Et de Génétique above.

3billion
Classification: Likely pathogenic for Alport syndrome 3b, autosomal recessive. Last evaluated: 2025-10-01. Review status: criteria provided, single submitter. Criteria: ACMG Guidelines, 2015. Collection method: clinical testing. Allele origin: germline. Affected: yes.
Comment: The variant is observed at an extremely low frequency in the gnomAD v4.1.0 dataset (total allele frequency: <0.001%). Predicted Consequence/Location: Missense variant In silico tool predictions suggest damaging effect of the variant on gene or gene product [REVEL: 0.75 (>=0.6, sensitivity 0.68 and specificity 0.92); 3Cnet: 0.94 (> 0.75, sensitivity 0.96 and precision 0.92)]. The same nucleotide change resulting in the same amino acid change has been previously reported as pathogenic/likely pathogenic with strong evidence (ClinVar ID: VCV000635538 /PMID: 33654185). Therefore, this variant is classified as Likely pathogenic according to the recommendation of ACMG/AMP guideline.

Natera, Inc.
Classification: Pathogenic for Alport syndrome. Last evaluated: 2025-09-04. Review status: criteria provided, single submitter. Criteria: Natera Variant Classification Schema (03/2026). Collection method: clinical testing. Allele origin: germline.
Comment: The c.725G>A variant in COL4A3 is a missense variant predicted to cause substitution of glycine to glutamic acid at amino acid 242. This variant is rare in the general population with a frequency below the threshold expected for the associated phenotype(s). This variant has been observed in one or more individuals affected with the associated recessive disease, as either homozygous or compound heterozygous with a second variant (PMID: 33532864). This variant has been observed in affected individual(s) with monoallelic occurrence (heterozygous/hemizygous) (PMID: 39810285, 39138691, 33838161). This variant is located in a functionally critical region of the protein. Computational prediction algorithms indicate this variant is likely to affect gene or protein function. Given the available evidence, this variant is classified as Pathogenic.

Revvity Omics, Revvity
Classification: Likely pathogenic. Last evaluated: 2025-02-07. Review status: criteria provided, single submitter. Criteria: ACMG Guidelines, 2015. Collection method: clinical testing. Allele origin: germline.

Fulgent Genetics
Classification: Likely pathogenic for Autosomal dominant Alport syndrome; Hematuria, benign familial, 2; Alport syndrome 3b, autosomal recessive. Last evaluated: 2024-04-11. Review status: criteria provided, single submitter. Criteria: ACMG Guidelines, 2015. Collection method: clinical testing. Allele origin: germline.

Blueprint Genetics
Classification: Uncertain significance. Last evaluated: 2024-01-03. Review status: criteria provided, single submitter. Criteria: ACMG Guidelines, 2015. Collection method: clinical testing. Allele origin: germline.

GeneDx
Classification: Pathogenic. Last evaluated: 2023-12-26. Review status: criteria provided, single submitter. Criteria: GeneDx Variant Classification Process June 2021. Collection method: clinical testing. Allele origin: germline. Affected: yes.
Comment: Affects a glycine residue in a Gly-X-Y motif in the triple helical region of the COL4A3 gene, where the majority of pathogenic missense variants occur; this glycine flanks an interruption within the triple helical region; Not observed at significant frequency in large population cohorts (gnomAD); In silico analysis supports that this missense variant has a deleterious effect on protein structure/function; This variant is associated with the following publications: (PMID: 33838161, 30348286, Mariem2023[preprint], 33532864, 33654185)

Eurofins-Biomnis
Classification: Likely pathogenic for Autosomal recessive Alport syndrome. Last evaluated: 2022-11-09. Review status: criteria provided, single submitter. Criteria: Accession Criteria ClinVar Biomnis. Collection method: clinical testing. Allele origin: germline. Affected: yes. Observed: 1 heterozygote.

Molecular Biology Laboratory, Fundació Puigvert
Classification: Likely pathogenic for Autosomal recessive Alport syndrome. Last evaluated: 2020-02-01. Review status: criteria provided, single submitter. Criteria: ACMG Guidelines, 2015. Collection method: research. Allele origin: germline. Affected: yes. Study: KidneyPanel_2020.

Clinical Genetics Service, Universitary Hospital 12 de Octubre
Classification: Likely pathogenic for Autosomal dominant Alport syndrome. Review status: criteria provided, single submitter. Criteria: ACMG Guidelines, 2015. Collection method: clinical testing. Allele origin: germline. Affected: yes.

Bioscientia Institut fuer Medizinische Diagnostik GmbH, Sonic Healthcare
Classification: Likely pathogenic for Autosomal dominant Alport syndrome. Last evaluated: 2019-01-04. Review status: no assertion criteria provided. Collection method: clinical testing. Allele origin: germline. Affected: yes. Not counted in ClinVar's aggregate classification.

Literature cited by the submitters: PubMed 30348286 (cited by Centre de Génétique Humaine, Institut de Pathologie Et de Génétique); PubMed 33654185 (cited by Centre de Génétique Humaine, Institut de Pathologie Et de Génétique and 3billion); PubMed 33838161 (cited by Centre de Génétique Humaine, Institut de Pathologie Et de Génétique and Natera, Inc.); PubMed 33532864 (cited by 3 submitters); PubMed 39810285 (cited by Natera, Inc.); PubMed 39138691 (cited by Natera, Inc.).